The following is an entry in ClinVar:

ClinVar aggregate classification (germline): Uncertain significance (1 of 4 stars; one submission).

Conditions:
Familial acute necrotizing encephalopathy (IIAE3). Also called: Susceptibility to Acute Necrotizing Encephalopathy 1; ENCEPHALOPATHY, ACUTE, INFECTION-INDUCED, SUSCEPTIBILITY TO, 3. Identifiers: Orphanet 88619, MedGen C2675556, MONDO:0011953, OMIM 608033.

Allele frequency attached by ClinVar (database versions not stated): ExAC 0.00001.

Submission:

Labcorp Genetics (formerly Invitae), Labcorp
Classification: Uncertain significance for Familial acute necrotizing encephalopathy. Last evaluated: 2024-01-02. Review status: criteria provided, single submitter. Criteria: Invitae Variant Classification Sherloc (09022015). Collection method: clinical testing. Allele origin: germline.
Comment: This sequence change replaces glycine, which is neutral and non-polar, with aspartic acid, which is acidic and polar, at codon 586 of the RANBP2 protein (p.Gly586Asp). This variant is present in population databases (rs769749256, gnomAD 0.004%). This variant has not been reported in the literature in individuals affected with RANBP2-related conditions. ClinVar contains an entry for this variant (Variation ID: 1937089). An algorithm developed to predict the effect of missense changes on protein structure and function (PolyPhen-2) suggests that this variant is likely to be tolerated. In summary, the available evidence is currently insufficient to determine the role of this variant in disease. Therefore, it has been classified as a Variant of Uncertain Significance.

NM_006267.5(RANBP2):c.1757G>A (p.Gly586Asp)

Gene: RANBP2 (RAN binding protein 2; plus strand). Cytogenetic location: 2q13.
Variant type: single nucleotide variant.
Coding change: c.1757G>A on transcript NM_006267.5 (MANE Select); coding-DNA position 1757, G replaced by A.
Protein change: p.Gly586Asp; replaces glycine 586 with aspartic acid.
Molecular consequence: missense variant.
Genome position (GRCh38, 1-based): chr2:108,752,999, G>A. VCF-style: chr2-108752999-G-A. GRCh37 (hg19) VCF-style: chr2-109369455-G-A.
Other names: c.1757G>A, p.Gly586Asp (NM_001415871.1, NM_001415873.1); c.1754G>A, p.Gly585Asp (NM_001415872.1); short protein forms G586D, G585D.
Identifiers: ClinVar variation 1937089 (VCV001937089.5), dbSNP rs769749256, ClinGen allele CA1822437.